The following is an entry in ClinVar:

NM_001105206.3(LAMA4):c.2995C>G (p.Leu999Val)

Gene: LAMA4 (laminin subunit alpha 4; minus strand). Cytogenetic location: 6q21.
Variant type: single nucleotide variant.
Coding change: c.2995C>G on transcript NM_001105206.3 (MANE Select); coding-DNA position 2995, C replaced by G.
Protein change: p.Leu999Val; replaces leucine 999 with valine.
Molecular consequence: missense variant.
Genome position (GRCh38, 1-based): chr6:112,139,867, G>C on the plus strand (C>G on the coding strand, the complement: LAMA4 is on the minus strand). VCF-style: chr6-112139867-G-C. GRCh37 (hg19) VCF-style: chr6-112461069-G-C.
Other names: c.2974C>G, p.Leu992Val (NM_001105207.3, NM_002290.5); short protein forms L999V, L992V.
Identifiers: ClinVar variation 1798317 (VCV001798317.2), dbSNP rs2547021448, ClinGen allele CA365379428.

ClinVar aggregate classification (germline): Uncertain significance (1 of 4 stars; one submission).

Conditions:
Cardiovascular phenotype. Identifiers: MedGen CN230736.

Submission:

Ambry Genetics
Classification: Uncertain significance for Cardiovascular phenotype. Last evaluated: 2022-09-13. Review status: criteria provided, single submitter. Criteria: Ambry Variant Classification Scheme 2023. Collection method: clinical testing. Allele origin: germline.
Comment: The p.L992V variant (also known as c.2974C>G), located in coding exon 22 of the LAMA4 gene, results from a C to G substitution at nucleotide position 2974. The leucine at codon 992 is replaced by valine, an amino acid with highly similar properties. This amino acid position is conserved. In addition, this alteration is predicted to be tolerated by in silico analysis. Since supporting evidence is limited at this time, the clinical significance of this alteration remains unclear.